The following is an entry in ClinVar:

NM_177438.3(DICER1):c.3068A>G (p.Lys1023Arg)

Gene: DICER1 (dicer 1, ribonuclease III; minus strand). Cytogenetic location: 14q32.13.
Variant type: single nucleotide variant.
Coding change: c.3068A>G on transcript NM_177438.3 (MANE Select); coding-DNA position 3068, A replaced by G.
Protein change: p.Lys1023Arg; replaces lysine 1023 with arginine.
Molecular consequence: missense variant.
Genome position (GRCh38, 1-based): chr14:95,105,703, T>C on the plus strand (A>G on the coding strand, the complement: DICER1 is on the minus strand). VCF-style: chr14-95105703-T-C. GRCh37 (hg19) VCF-style: chr14-95572040-T-C.
Other names: c.3068A>G, p.Lys1023Arg (NM_001195573.1, NM_001271282.3, NM_001291628.2 and 1 more transcripts); short protein forms K1023R.
Identifiers: ClinVar variation 1384463 (VCV001384463.9), dbSNP rs762411266, ClinGen allele CA7331127.

ClinVar aggregate classification (germline): Uncertain significance. Review status: criteria provided, multiple submitters, no conflicts (2 of 4 stars). 2 submissions from 2 submitters: Uncertain significance (2). Last evaluated 2021-10-04.

Conditions:
Hereditary cancer-predisposing syndrome. Also called: Tumor predisposition; Hereditary neoplastic syndrome; Neoplastic Syndromes, Hereditary; Hereditary Cancer Syndrome. Identifiers: Orphanet 140162, MedGen C0027672, MeSH D009386, MONDO:0015356.
DICER1-related tumor predisposition. Also called: DICER1 syndrome; DICER1-related pleuropulmonary blastoma cancer predisposition syndrome. Identifiers: Orphanet 284343, MedGen C3839822, MONDO:0100216.

Allele frequency attached by ClinVar (database versions not stated): gnomAD exomes below 0.00001; ExAC 0.00001.
gnomAD v4.1: 2 of 1,613,826 alleles (0.00012%); highest among the groups gnomAD compares: African/African-American, 0.0013%; no homozygotes.

Submissions (2):

Labcorp Genetics (formerly Invitae), Labcorp
Classification: Uncertain significance for DICER1-related tumor predisposition. Last evaluated: 2021-10-04. Review status: criteria provided, single submitter. Criteria: Invitae Variant Classification Sherloc (09022015). Collection method: clinical testing. Allele origin: germline.
Comment: In summary, the available evidence is currently insufficient to determine the role of this variant in disease. Therefore, it has been classified as a Variant of Uncertain Significance. Algorithms developed to predict the effect of missense changes on protein structure and function are either unavailable or do not agree on the potential impact of this missense change (SIFT: "Tolerated"; PolyPhen-2: "Probably Damaging"; Align-GVGD: "Class C0"). This variant has not been reported in the literature in individuals affected with DICER1-related conditions. The frequency data for this variant in the population databases is considered unreliable, as metrics indicate poor data quality at this position in the ExAC database. This sequence change replaces lysine with arginine at codon 1023 of the DICER1 protein (p.Lys1023Arg). The lysine residue is highly conserved and there is a small physicochemical difference between lysine and arginine.

Ambry Genetics
Classification: Uncertain significance for Hereditary cancer-predisposing syndrome. Last evaluated: 2020-02-20. Review status: criteria provided, single submitter. Criteria: Ambry Variant Classification Scheme 2023. Collection method: clinical testing. Allele origin: germline.
Comment: The p.K1023R variant (also known as c.3068A>G), located in coding exon 18 of the DICER1 gene, results from an A to G substitution at nucleotide position 3068. The lysine at codon 1023 is replaced by arginine, an amino acid with highly similar properties. This amino acid position is highly conserved in available vertebrate species. In addition, the in silico prediction for this alteration is inconclusive. Since supporting evidence is limited at this time, the clinical significance of this alteration remains unclear.